The following is an entry in ClinVar:

ClinVar aggregate classification (germline): Likely pathogenic (1 of 4 stars; one submission).

Allele frequency attached by ClinVar (database versions not stated): gnomAD exomes below 0.00001; gnomAD 0.00001.
gnomAD v4.1: 4 of 1,367,260 alleles (0.00029%); highest among the groups gnomAD compares: African/African-American, 0.0015%; no homozygotes.

Submission:

Labcorp Genetics (formerly Invitae), Labcorp
Classification: Likely pathogenic. Last evaluated: 2022-11-11. Review status: criteria provided, single submitter. Criteria: Invitae Variant Classification Sherloc (09022015). Collection method: clinical testing. Allele origin: germline.
Comment: This sequence change affects a donor splice site in intron 3 of the CWC27 gene. It is expected to disrupt RNA splicing. Variants that disrupt the donor or acceptor splice site typically lead to a loss of protein function (PMID: 16199547), and loss-of-function variants in CWC27 are known to be pathogenic (PMID: 28285769). The frequency data for this variant in the population databases is considered unreliable, as metrics indicate poor data quality at this position in the gnomAD database. This variant has not been reported in the literature in individuals affected with CWC27-related conditions. Algorithms developed to predict the effect of sequence changes on RNA splicing suggest that this variant may disrupt the consensus splice site. In summary, the currently available evidence indicates that the variant is pathogenic, but additional data are needed to prove that conclusively. Therefore, this variant has been classified as Likely Pathogenic.

Literature cited by the submitters: PubMed 16199547; PubMed 28285769.

NM_005869.4(CWC27):c.252+1G>A

Gene: CWC27 (CWC27 spliceosome associated cyclophilin; plus strand). Cytogenetic location: 5q12.3.
Variant type: single nucleotide variant.
Coding change: c.252+1G>A on transcript NM_005869.4 (MANE Select); the canonical splice donor site of the intron after coding-DNA position 252, G replaced by A.
Molecular consequence: splice donor variant.
Genome position (GRCh38, 1-based): chr5:64,782,034, G>A. VCF-style: chr5-64782034-G-A. GRCh37 (hg19) VCF-style: chr5-64077861-G-A.
Other names: c.252+1G>A (NM_001297644.1, NM_001364478.1, NM_001318000.2 and 1 more transcripts).
Identifiers: ClinVar variation 2963690 (VCV002963690.3), dbSNP rs1468432566, ClinGen allele CA359842478.